The following is an entry in ClinVar:

NM_133497.4(KCNV2):c.258C>G (p.Pro86=)

Gene: KCNV2 (potassium voltage-gated channel modifier subfamily V member 2; plus strand). Cytogenetic location: 9p24.2.
Variant type: single nucleotide variant.
Coding change: c.258C>G on transcript NM_133497.4 (MANE Select); coding-DNA position 258, C replaced by G.
Protein change: p.Pro86=; no amino-acid change (proline 86 retained).
Molecular consequence: synonymous variant.
Genome position (GRCh38, 1-based): chr9:2,717,997, C>G. VCF-style: chr9-2717997-C-G. GRCh37 (hg19) VCF-style: chr9-2717997-C-G.
Identifiers: ClinVar variation 914190 (VCV000914190.18), dbSNP rs143109320, ClinGen allele CA4965389.
Genomic context (GRCh38, chr9:2,717,997, plus strand): 5'-GTGGAAGGACGACCTGGCAGAAGAGGACCAGCAGGCAGGGGAGGTCACCACCGCCAAGCC[C>G]GAGGGCCCCAGCGACCCTCCGGCCCTGCTGTCCACGCTGAATGTGAACGTGGGTGGCCAC-3'
Protein context (NP_598004.1, residues 76-96): QQAGEVTTAK[Pro86=]EGPSDPPALL

ClinVar aggregate classification (germline): Conflicting classifications of pathogenicity. Review status: criteria provided, conflicting classifications (1 of 4 stars). 6 submissions from 6 submitters: Uncertain significance (1); Likely benign (2). 3 of the submissions do not count toward it. Last evaluated 2025-11-16.

Conditions:
KCNV2-related disorder. Also called: KCNV2-related condition.
Cone dystrophy with supernormal rod response (CDSRR). Also called: CONE DYSTROPHY WITH SUPERNORMAL ROD RESPONSES. Identifiers: Orphanet 209932, MedGen C1835897, MONDO:0012475, OMIM 610356.

Allele frequency attached by ClinVar (database versions not stated): TOPMed 0.00011; ExAC 0.00013; gnomAD exomes 0.00014; ESP Exome Variant Server 0.00046.
gnomAD v4.1: 361 of 1,613,892 alleles (0.022%); highest among the groups gnomAD compares: Non-Finnish European, 0.028%; 1 homozygote.

Submissions (6):

Labcorp Genetics (formerly Invitae), Labcorp
Classification: Likely benign. Last evaluated: 2025-11-16. Review status: criteria provided, single submitter. Criteria: Invitae Variant Classification Sherloc (09022015). Collection method: clinical testing. Allele origin: germline.

Blueprint Genetics
Classification: Likely benign. Last evaluated: 2024-09-23. Review status: criteria provided, single submitter. Criteria: ACMG Guidelines, 2015. Collection method: clinical testing. Allele origin: germline.

Illumina Laboratory Services, Illumina
Classification: Uncertain significance for Cone dystrophy with supernormal rod response. Last evaluated: 2018-01-13. Review status: criteria provided, single submitter. Criteria: ICSL Variant Classification Criteria 13 December 2019. Collection method: clinical testing. Allele origin: germline.

PreventionGenetics, part of Exact Sciences
Classification: Likely benign for KCNV2-related condition. Last evaluated: 2024-09-10. Review status: no assertion criteria provided. Collection method: clinical testing. Allele origin: germline. Not counted in ClinVar's aggregate classification.
Comment: This variant is classified as likely benign based on ACMG/AMP sequence variant interpretation guidelines (Richards et al. 2015 PMID: 25741868, with internal and published modifications).

Clinical Genetics DNA and cytogenetics Diagnostics Lab, Erasmus MC, Erasmus Medical Center
Classification: Likely benign. Review status: no assertion criteria provided. Collection method: clinical testing. Allele origin: germline. Affected: yes. Study: VKGL Data-share Consensus. Not counted in ClinVar's aggregate classification.

Clinical Genetics, Academic Medical Center
Classification: Likely benign. Review status: no assertion criteria provided. Collection method: clinical testing. Allele origin: germline. Affected: yes. Study: VKGL Data-share Consensus. Not counted in ClinVar's aggregate classification.